The following is an entry in ClinVar:

NM_001395656.1(ROBO2):c.3830_3832del (p.Ser1277del)

Gene: ROBO2 (roundabout guidance receptor 2; plus strand). Cytogenetic location: 3p12.3.
Variant type: Deletion.
Coding change: c.3830_3832del on transcript NM_001395656.1 (MANE Select); coding-DNA positions 3830 to 3832, 3 bases deleted (GTA; older notation c.3830_3832delGTA).
Protein change: p.Ser1277del; deletes serine 1277.
Molecular consequence: inframe deletion. On other transcripts: intron variant (1).
Genome position (GRCh38, 1-based): chr3:77,634,927-77,634,929, GTA deleted; deleting any 3 consecutive bases within chr3:77,634,926-77,634,929 gives the same sequence; the c. name uses the placement nearest the transcript's 3' end. VCF-style (leftmost placement, unchanged base first): chr3-77634925-CAGT-C. GRCh37 (hg19) VCF-style: chr3-77684076-CAGT-C.
Other names: c.3818_3820delGTA (NM_002942.5); c.3866_3868del, p.Ser1289del (NM_001128929.3); c.3830_3832del, p.Ser1277del (NM_001290039.2); c.4013_4015del, p.Ser1338del (NM_001290040.2, NM_001394212.1, NM_001395657.1); c.2039_2041del, p.Ser680del (NM_001290065.2); c.3878_3880del, p.Ser1293del (NM_001378190.1, NM_001378200.1, NM_001378201.1); c.4004_4006del, p.Ser1335del (NM_001378191.1, NM_001378195.1, NM_001378196.1); c.3899_3901del, p.Ser1300del (NM_001378192.1, NM_001378198.1, NM_001378199.1); and 7 more; short protein forms S1273del, S1274del, S1277del, S1289del, S1293del, S1300del, S1315del, S1335del.
Identifiers: ClinVar variation 995970 (VCV000995970.2), dbSNP rs2095237973, ClinGen allele CA1139658182.

ClinVar aggregate classification (germline): Uncertain significance (1 of 4 stars; one submission).

Conditions:
Congenital anomaly of kidney and urinary tract. Also called: Congenital anomalies of the kidney and urinary tract; Congenital anomalies of kidney and urinary tract. Identifiers: Orphanet 93545, MedGen C1968949, MeSH C566906, MONDO:0019719.

Submission:

Institute of Human Genetics, University of Leipzig Medical Center
Classification: Uncertain significance for Congenital anomaly of kidney and urinary tract. Last evaluated: 2021-01-09. Review status: criteria provided, single submitter. Criteria: ACMG Guidelines, 2015. Collection method: curation. Allele origin: germline. Inheritance: Autosomal dominant inheritance. Affected: yes.
Comment: This ROBO2 variant was reported as Likely pathogenicâ€‹ in PMID: 30586318 with original nomenclature reported as p.S1273del. Variant was re-classified as Uncertain Significance based on the criteria PM2_Supporting, PP3_Supporting.

Literature cited by the submitters: PubMed 30586318.